The following is an entry in ClinVar:

ClinVar aggregate classification (germline): Conflicting classifications of pathogenicity. Review status: criteria provided, conflicting classifications (1 of 4 stars). 2 submissions from 2 submitters: Uncertain significance (1); Likely benign (1). Last evaluated 2023-06-13.

Conditions:
Autoimmune lymphoproliferative syndrome type 1. Also called: AUTOIMMUNE LYMPHOPROLIFERATIVE SYNDROME, TYPE I, AUTOSOMAL DOMINANT. Identifiers: Orphanet 3261, MedGen C2717884, MONDO:0011158, OMIM 601859.

Allele frequency attached by ClinVar (database versions not stated): gnomAD 0.00005; gnomAD exomes 0.00001.
gnomAD v4.1: 16 of 1,613,860 alleles (0.00099%); highest among the groups gnomAD compares: Non-Finnish European, 0.0012%; no homozygotes.

Submissions (2):

GeneDx
Classification: Uncertain significance. Last evaluated: 2023-06-13. Review status: criteria provided, single submitter. Criteria: GeneDx Variant Classification Process June 2021. Collection method: clinical testing. Allele origin: germline. Affected: yes.
Comment: In silico analysis supports that this missense variant does not alter protein structure/function; Has not been previously published as pathogenic or benign to our knowledge

Labcorp Genetics (formerly Invitae), Labcorp
Classification: Likely benign for Autoimmune lymphoproliferative syndrome. Last evaluated: 2023-05-01. Review status: criteria provided, single submitter. Criteria: Invitae Variant Classification Sherloc (09022015). Collection method: clinical testing. Allele origin: germline.

NM_000043.6(FAS):c.412A>G (p.Thr138Ala)

Gene: FAS (Fas cell surface death receptor; plus strand). Cytogenetic location: 10q23.31.
Variant type: single nucleotide variant.
Coding change: c.412A>G on transcript NM_000043.6 (MANE Select); coding-DNA position 412, A replaced by G.
Protein change: p.Thr138Ala; replaces threonine 138 with alanine.
Molecular consequence: missense variant. On other transcripts: non-coding transcript variant (1).
Genome position (GRCh38, 1-based): chr10:89,008,966, A>G. VCF-style: chr10-89008966-A-G. GRCh37 (hg19) VCF-style: chr10-90768723-A-G.
Other names: c.412A>G, p.Thr138Ala (NM_001320619.2, NM_152871.4, NM_152872.4); c.457A>G, p.Thr153Ala (NM_001410956.1); short protein forms T138A, T153A.
Identifiers: ClinVar variation 2779353 (VCV002779353.4), dbSNP rs1430810569, ClinGen allele CA377508765.